The following is an entry in ClinVar:

NM_000059.4(BRCA2):c.4903_4904del (p.Leu1635fs)

Gene: BRCA2 (BRCA2 DNA repair associated; plus strand). Cytogenetic location: 13q13.1.
Variant type: Deletion.
Coding change: c.4903_4904del on transcript NM_000059.4 (MANE Select); coding-DNA positions 4903 to 4904, 2 bases deleted (TT; older notation c.4903_4904delTT).
Protein change: p.Leu1635fs; shifts the reading frame from leucine 1635.
Molecular consequence: frameshift variant.
Genome position (GRCh38, 1-based): chr13:32,339,258-32,339,259, TT deleted; deleting any 2 consecutive bases within chr13:32,339,255-32,339,259 gives the same sequence; the c. name uses the placement nearest the transcript's 3' end. VCF-style (leftmost placement, unchanged base first): chr13-32339254-CTT-C. GRCh37 (hg19) VCF-style: chr13-32913391-CTT-C.
Other names: c.4903_4904delTT (NM_000059.3); short protein forms L1635fs.
Identifiers: ClinVar variation 936802 (VCV000936802.31), dbSNP rs80359471, ClinGen allele CA1139663217.

ClinVar aggregate classification (germline): Pathogenic. Review status: criteria provided, multiple submitters, no conflicts (2 of 4 stars). 3 submissions from 3 submitters: Pathogenic (2). 1 of the submissions does not count toward it. Last evaluated 2024-12-30.

Conditions:
Gastric cancer. Also called: Stomach cancer; Malignant tumor of stomach. Identifiers: MedGen C0024623, MeSH D013274, MONDO:0001056, OMIM 613659, HP:0012126.
Hereditary cancer-predisposing syndrome. Also called: Hereditary neoplastic syndrome; Neoplastic Syndromes, Hereditary; Hereditary Cancer Syndrome; Tumor predisposition. Identifiers: Orphanet 140162, MedGen C0027672, MeSH D009386, MONDO:0015356.
Hereditary breast ovarian cancer syndrome. Also called: Hereditary breast and ovarian cancer syndrome; Breast and ovarian cancer; Hereditary breast and/or ovarian cancer syndrome; Hereditary breast and ovarian cancer syndrome (HBOC); Hereditary breast and ovarian cancer; BRCA1- and BRCA2-Associated Hereditary Breast and Ovarian Cancer. Identifiers: Orphanet 145, MedGen C0677776, MeSH D061325, MONDO:0003582. Disease mechanism: loss of function.

Submissions (3):

Ambry Genetics
Classification: Pathogenic for Hereditary cancer-predisposing syndrome. Last evaluated: 2024-12-30. Review status: criteria provided, single submitter. Criteria: Ambry Variant Classification Scheme 2023. Collection method: clinical testing. Allele origin: germline.
Comment: The c.4903_4904delTT pathogenic mutation, located in coding exon 10 of the BRCA2 gene, results from a deletion of two nucleotides at nucleotide positions 4903 to 4904, causing a translational frameshift with a predicted alternate stop codon (p.L1635Efs*3). This variant is considered to be rare based on population cohorts in the Genome Aggregation Database (gnomAD). This alteration is expected to result in loss of function by premature protein truncation or nonsense-mediated mRNA decay. As such, this alteration is interpreted as a disease-causing mutation.

Labcorp Genetics (formerly Invitae), Labcorp
Classification: Pathogenic for Hereditary breast ovarian cancer syndrome. Last evaluated: 2022-10-19. Review status: criteria provided, single submitter. Criteria: Invitae Variant Classification Sherloc (09022015). Collection method: clinical testing. Allele origin: germline.
Comment: For these reasons, this variant has been classified as Pathogenic. ClinVar contains an entry for this variant (Variation ID: 936802). This premature translational stop signal has been observed in individual(s) with breast cancer (PMID: 30287823). This variant is not present in population databases (gnomAD no frequency). This sequence change creates a premature translational stop signal (p.Leu1635Glufs*3) in the BRCA2 gene. It is expected to result in an absent or disrupted protein product. Loss-of-function variants in BRCA2 are known to be pathogenic (PMID: 20104584).

Laboratory for Genotyping Development, RIKEN
Classification: Pathogenic for Gastric cancer. Last evaluated: 2021-07-01. Review status: no assertion criteria provided. Collection method: research. Allele origin: germline. Not counted in ClinVar's aggregate classification.

Literature cited by the submitters: PubMed 30287823 (cited by Labcorp Genetics (formerly Invitae), Labcorp); PubMed 20104584 (cited by Labcorp Genetics (formerly Invitae), Labcorp); PubMed 36988593 (cited by Laboratory for Genotyping Development, RIKEN).